The following is an entry in ClinVar:

ClinVar aggregate classification (germline): Uncertain significance. Review status: criteria provided, multiple submitters, no conflicts (2 of 4 stars). 2 submissions from 2 submitters: Uncertain significance (2). Last evaluated 2024-05-09.

Conditions:
Neuropathy, hereditary sensory and autonomic, type 2A (HSAN2A). Also called: ACROOSTEOLYSIS, GIACCAI TYPE; ACROOSTEOLYSIS, NEUROGENIC; HSAN IIA; WNK1-Related HSAN2 (HSAN2A); MORVAN DISEASE; NEUROPATHY, CONGENITAL SENSORY. Identifiers: Orphanet 970, MedGen C2752089, MONDO:0024309, OMIM 201300.
Generalized epilepsy with febrile seizures plus, type 7 (GEFSP7). Also called: GEFS+, TYPE 7. Identifiers: Orphanet 36387, MedGen C2751778, MONDO:0013470, OMIM 613863.
Primary erythromelalgia. Also called: SCN9A Erythromelalgia (SCN9A-EM); primary erythermalgia. Identifiers: Orphanet 306577, Orphanet 90026, MedGen C0014805, MONDO:0007571, OMIM 133020.
Channelopathy-associated congenital insensitivity to pain, autosomal recessive. Also called: ASYMBOLIA FOR PAIN; Insensitivity to pain, channelopathy-associated; CONGENITAL ANALGESIA, AUTOSOMAL RECESSIVE. Identifiers: Orphanet 88642, Orphanet 970, MedGen C1855739, MONDO:0009459, OMIM 243000.
Paroxysmal extreme pain disorder (PEXPD). Also called: SCN9A Paroxysmal Extreme Pain Disorder (SCN9A-PEPD); PAIN, SUBMANDIBULAR, OCULAR, AND RECTAL, WITH FLUSHING; RECTAL PAIN, FAMILIAL. Identifiers: Orphanet 46348, MedGen C1833661, MONDO:0008179, OMIM 167400.

Allele frequency attached by ClinVar (database versions not stated): gnomAD exomes below 0.00001 and 0.00001; TOPMed below 0.00001; ExAC 0.00001.
gnomAD v4.1: 2 of 1,614,176 alleles (0.00012%); highest among the groups gnomAD compares: Admixed American, 0.0033%; no homozygotes.

Submissions (2):

Fulgent Genetics
Classification: Uncertain significance for Primary erythromelalgia; Paroxysmal extreme pain disorder; Channelopathy-associated congenital insensitivity to pain, autosomal recessive. Last evaluated: 2024-05-09. Review status: criteria provided, single submitter. Criteria: ACMG Guidelines, 2015. Collection method: clinical testing. Allele origin: germline.

Labcorp Genetics (formerly Invitae), Labcorp
Classification: Uncertain significance for Neuropathy, hereditary sensory and autonomic, type 2A; Generalized epilepsy with febrile seizures plus, type 7. Last evaluated: 2022-06-03. Review status: criteria provided, single submitter. Criteria: Invitae Variant Classification Sherloc (09022015). Collection method: clinical testing. Allele origin: germline.
Comment: In summary, the available evidence is currently insufficient to determine the role of this variant in disease. Therefore, it has been classified as a Variant of Uncertain Significance. Algorithms developed to predict the effect of missense changes on protein structure and function are either unavailable or do not agree on the potential impact of this missense change (SIFT: "Deleterious"; PolyPhen-2: "Probably Damaging"; Align-GVGD: "Class C0"). ClinVar contains an entry for this variant (Variation ID: 846199). This variant has not been reported in the literature in individuals affected with SCN9A-related conditions. This variant is present in population databases (rs752580340, gnomAD 0.006%). This sequence change replaces leucine, which is neutral and non-polar, with phenylalanine, which is neutral and non-polar, at codon 1812 of the SCN9A protein (p.Leu1812Phe).

NM_001365536.1(SCN9A):c.5467C>T (p.Leu1823Phe)

Genes: SCN1A-AS1 (SCN1A and SCN9A antisense RNA 1; plus strand), SCN9A (sodium voltage-gated channel alpha subunit 9; minus strand). Cytogenetic location: 2q24.3.
Variant type: single nucleotide variant.
Coding change: c.5467C>T on transcript NM_001365536.1 (MANE Select); coding-DNA position 5467, C replaced by T.
Protein change: p.Leu1823Phe; replaces leucine 1823 with phenylalanine.
Molecular consequence: missense variant.
Genome position (GRCh38, 1-based): chr2:166,199,172, G>A on the plus strand (C>T on the coding strand, the complement: SCN9A is on the minus strand). VCF-style: chr2-166199172-G-A. GRCh37 (hg19) VCF-style: chr2-167055682-G-A.
Other names: c.5434C>T, p.Leu1812Phe (NM_002977.4); short protein forms L1823F, L1812F.
Identifiers: ClinVar variation 846199 (VCV000846199.11), dbSNP rs752580340, ClinGen allele CA1943675.